The following is an entry in ClinVar:

NM_006031.6(PCNT):c.4882C>T (p.Pro1628Ser)

Gene: PCNT (pericentrin; plus strand). Cytogenetic location: 21q22.3.
Variant type: single nucleotide variant.
Coding change: c.4882C>T on transcript NM_006031.6 (MANE Select); coding-DNA position 4882, C replaced by T.
Protein change: p.Pro1628Ser; replaces proline 1628 with serine.
Molecular consequence: missense variant.
Genome position (GRCh38, 1-based): chr21:46,401,641, C>T. VCF-style: chr21-46401641-C-T. GRCh37 (hg19) VCF-style: chr21-47821555-C-T.
Other names: c.4528C>T, p.Pro1510Ser (NM_001315529.2); short protein forms P1628S, P1510S.
Identifiers: ClinVar variation 1935223 (VCV001935223.5), dbSNP rs1296555664, ClinGen allele CA410581324.

ClinVar aggregate classification (germline): Uncertain significance (1 of 4 stars; one submission).

Allele frequency attached by ClinVar (database versions not stated): gnomAD exomes below 0.00001; TOPMed 0.00001; gnomAD 0.00002.
gnomAD v4.1: 5 of 1,613,770 alleles (0.00031%); highest among the groups gnomAD compares: African/African-American, 0.004%; no homozygotes.

Submission:

Labcorp Genetics (formerly Invitae), Labcorp
Classification: Uncertain significance. Last evaluated: 2022-12-06. Review status: criteria provided, single submitter. Criteria: Invitae Variant Classification Sherloc (09022015). Collection method: clinical testing. Allele origin: germline.
Comment: This sequence change replaces proline, which is neutral and non-polar, with serine, which is neutral and polar, at codon 1628 of the PCNT protein (p.Pro1628Ser). This variant is present in population databases (no rsID available, gnomAD 0.01%). This variant has not been reported in the literature in individuals affected with PCNT-related conditions. Algorithms developed to predict the effect of missense changes on protein structure and function output the following: SIFT: "Deleterious"; PolyPhen-2: "Possibly Damaging"; Align-GVGD: "Class C0". The serine amino acid residue is found in multiple mammalian species, which suggests that this missense change does not adversely affect protein function. In summary, the available evidence is currently insufficient to determine the role of this variant in disease. Therefore, it has been classified as a Variant of Uncertain Significance.